The following is an entry in ClinVar:

ClinVar aggregate classification (germline): Uncertain significance (1 of 4 stars; one submission).

Submission:

Labcorp Genetics (formerly Invitae), Labcorp
Classification: Uncertain significance. Last evaluated: 2022-06-11. Review status: criteria provided, single submitter. Criteria: Invitae Variant Classification Sherloc (09022015). Collection method: clinical testing. Allele origin: germline.
Comment: This variant has not been reported in the literature in individuals affected with AHR-related conditions. In summary, the available evidence is currently insufficient to determine the role of this variant in disease. Therefore, it has been classified as a Variant of Uncertain Significance. Algorithms developed to predict the effect of missense changes on protein structure and function (SIFT, PolyPhen-2, Align-GVGD) all suggest that this variant is likely to be tolerated. This variant is not present in population databases (gnomAD no frequency). This sequence change replaces tyrosine, which is neutral and polar, with serine, which is neutral and polar, at codon 470 of the AHR protein (p.Tyr470Ser).

NM_001621.5(AHR):c.1409A>C (p.Tyr470Ser)

Gene: AHR (aryl hydrocarbon receptor; plus strand). Cytogenetic location: 7p21.1.
Variant type: single nucleotide variant.
Coding change: c.1409A>C on transcript NM_001621.5 (MANE Select); coding-DNA position 1409, A replaced by C.
Protein change: p.Tyr470Ser; replaces tyrosine 470 with serine.
Molecular consequence: missense variant.
Genome position (GRCh38, 1-based): chr7:17,339,234, A>C. VCF-style: chr7-17339234-A-C. GRCh37 (hg19) VCF-style: chr7-17378858-A-C.
Other names: short protein forms Y470S.
Identifiers: ClinVar variation 2109558 (VCV002109558.4), dbSNP rs199672191, ClinGen allele CA366894089.